The following is an entry in ClinVar:

NM_007294.4(BRCA1):c.5182del (p.Met1728fs)

Gene: BRCA1 (BRCA1 DNA repair associated; minus strand). Cytogenetic location: 17q21.31.
Variant type: Deletion.
Coding change: c.5182del on transcript NM_007294.4 (MANE Select); coding-DNA position 5182, one base deleted (A; older notation c.5182delA).
Protein change: p.Met1728fs; shifts the reading frame from methionine 1728.
Molecular consequence: frameshift variant. On other transcripts: non-coding transcript variant (1).
Genome position (GRCh38, 1-based): chr17:43,063,344, T deleted on the plus strand (A on the coding strand, the reverse complement: BRCA1 is on the minus strand); the first of 5 consecutive T bases (chr17:43,063,344-43,063,348); deleting any one gives the same sequence. VCF-style (leftmost placement, unchanged base first): chr17-43063343-AT-A. GRCh37 (hg19) VCF-style: chr17-41215360-AT-A.
Other names: c.5182delA (NM_007294.3); c.1788delA, p.Met598Cysfs (NM_001408416.1, NM_001408412.1, NM_001408413.1 and 2 more transcripts); c.1752delA, p.Met586Cysfs (NM_001408418.1, NM_001408419.1, NM_001408420.1); c.1749delA, p.Met585Cysfs (NM_001408421.1, NM_001408422.1, NM_001408423.1 and 1 more transcripts); c.1746delA, p.Met584Cysfs (NM_001408425.1, NM_001408426.1, NM_001408427.1 and 4 more transcripts); c.1743delA, p.Met583Cysfs (NM_001408432.1, NM_001408433.1, NM_001408434.1 and 10 more transcripts); c.1740delA, p.Met582Cysfs (NM_001408445.1, NM_001408446.1, NM_001408447.1 and 2 more transcripts); c.1734delA, p.Met580Cysfs (NM_001408451.1); and 76 more; short protein forms M1728fs, M624fs, M1681fs, M1749fs.
Identifiers: ClinVar variation 55446 (VCV000055446.19), dbSNP rs34570933, ClinGen allele CA003328.

ClinVar aggregate classification (germline): Pathogenic. Review status: reviewed by expert panel (3 of 4 stars). 7 submissions from 7 submitters: Pathogenic (1). 6 of the submissions do not count toward it. Last evaluated 2017-12-15.

Conditions:
Hereditary cancer-predisposing syndrome. Also called: Hereditary Cancer Syndrome; Hereditary neoplastic syndrome; Neoplastic Syndromes, Hereditary; Tumor predisposition. Identifiers: Orphanet 140162, MedGen C0027672, MeSH D009386, MONDO:0015356.
Familial cancer of breast. Also called: hereditary breast carcinoma; BREAST CANCER, FAMILIAL; Hereditary breast cancer. Identifiers: Orphanet 227535, MedGen C0346153, MONDO:0016419, OMIM 114480. Disease mechanism: loss of function.
Hereditary breast ovarian cancer syndrome. Also called: BRCA1- and BRCA2-Associated Hereditary Breast and Ovarian Cancer; Hereditary breast and ovarian cancer syndrome; Hereditary breast and ovarian cancer syndrome (HBOC); Breast and ovarian cancer; Hereditary breast and/or ovarian cancer syndrome; Hereditary breast and ovarian cancer. Identifiers: Orphanet 145, MedGen C0677776, MeSH D061325, MONDO:0003582. Disease mechanism: loss of function.
Breast-ovarian cancer, familial, susceptibility to, 1 (BROVCA1). Also called: BRCA1 Hereditary Breast and Ovarian Cancer; OVARIAN CANCER, SUSCEPTIBILITY TO. Identifiers: Orphanet 145, MedGen C2676676, MONDO:0011450, OMIM 604370. Disease mechanism: loss of function.

Submissions (7):

Evidence-based Network for the Interpretation of Germline Mutant Alleles (ENIGMA)
Classification: Pathogenic for Breast-ovarian cancer, familial, susceptibility to, 1. Last evaluated: 2017-12-15. Review status: reviewed by expert panel. Criteria: ENIGMA BRCA1/2 Classification Criteria (2017-06-29). Collection method: curation. Allele origin: germline. Study: ENIGMA.
Comment: Variant allele predicted to encode a truncated non-functional protein.

Labcorp Genetics (formerly Invitae), Labcorp
Classification: Pathogenic for Hereditary breast ovarian cancer syndrome. Last evaluated: 2022-10-17. Review status: criteria provided, single submitter. Criteria: Invitae Variant Classification Sherloc (09022015). Collection method: clinical testing. Allele origin: germline. Not counted in ClinVar's aggregate classification.
Comment: This sequence change creates a premature translational stop signal (p.Met1728Cysfs*2) in the BRCA1 gene. It is expected to result in an absent or disrupted protein product. Loss-of-function variants in BRCA1 are known to be pathogenic (PMID: 20104584). This variant is not present in population databases (gnomAD no frequency). This premature translational stop signal has been observed in individual(s) with ovarian cancer (PMID: 22006311). This variant is also known as c.5301delA. ClinVar contains an entry for this variant (Variation ID: 55446). For these reasons, this variant has been classified as Pathogenic.

Ambry Genetics
Classification: Pathogenic for Hereditary cancer-predisposing syndrome. Last evaluated: 2022-08-23. Review status: criteria provided, single submitter. Criteria: Ambry Variant Classification Scheme 2023. Collection method: clinical testing. Allele origin: germline. Not counted in ClinVar's aggregate classification.
Comment: The c.5182delA pathogenic mutation, located in coding exon 17 of the BRCA1 gene, results from a deletion of one nucleotide at nucleotide position 5182, causing a translational frameshift with a predicted alternate stop codon (p.M1728Cfs*2). This alteration (designated as c.5301delA) was observed in a patient with serous ovarian cancer who had a family history of breast or ovarian cancer (Walsh T et al. Proc. Natl. Acad. Sci. U.S.A. 2011 Nov;108:18032-7). In addition to the clinical data presented in the literature, this alteration is expected to result in loss of function by premature protein truncation or nonsense-mediated mRNA decay. As such, this alteration is interpreted as a disease-causing mutation.

Baylor Genetics
Classification: Pathogenic for Breast-ovarian cancer, familial, susceptibility to, 1. Last evaluated: 2022-02-10. Review status: criteria provided, single submitter. Criteria: ACMG Guidelines, 2015. Collection method: clinical testing. Allele origin: unknown. Not counted in ClinVar's aggregate classification.

GeneDx
Classification: Pathogenic. Last evaluated: 2019-08-01. Review status: criteria provided, single submitter. Criteria: GeneDx Variant Classification Process June 2021. Collection method: clinical testing. Allele origin: germline. Affected: yes. Not counted in ClinVar's aggregate classification.
Comment: Frameshift variant predicted to result in protein truncation or nonsense mediated decay in a gene for which loss-of-function is a known mechanism of disease; Not observed in large population cohorts (Lek 2016); Truncating variants in this gene are considered pathogenic by a well-established clinical consortium and/or database; Also known as BRCA1 5301delA; This variant is associated with the following publications: (PMID: 22006311, 24240112)

Women's Health and Genetics/Laboratory Corporation of America, LabCorp
Classification: Pathogenic for Hereditary breast and ovarian cancer syndrome. Last evaluated: 2017-10-17. Review status: criteria provided, single submitter. Criteria: LabCorp Variant Classification Summary - May 2015. Collection method: clinical testing. Allele origin: germline. Not counted in ClinVar's aggregate classification.
Comment: Variant summary: The BRCA1 c.5182delA (p.Met1728CysfsX2) variant results in a premature termination codon, predicted to cause a truncated or absent BRCA1 protein due to nonsense mediated decay, which are commonly known mechanisms for disease. Truncations downstream of this position have been classified as pathogenic by our laboratory (e.g. c.5239C>T, p.Gln1747X; c.5251C>T, p.Arg1751X; c.5266dupC, p.Gln1756fsX74). One in silico tool predicts a damaging outcome for this variant. This variant is absent in 245904 control chromosomes (gnomAD). This variant was reported in one patient with serous ovarian cancer (Walsh_2011). This variant is located in a mutation hotspot in close proximity to other known pathogenic variants in exon 19 such as c.5174_5177delAAAG (p.Arg1726LysfsX3), c.5177_5180delGAAA (p.Arg1726LysfsX3), and c.5179A>T (p.Lys1727X). Taken together, this variant is classified as pathogenic.

ClinVar Staff, National Center for Biotechnology Information (NCBI)
No classification provided. Condition: Familial cancer of breast. Review status: no classification provided. Collection method: literature only. Allele origin: germline. Affected: yes. Not counted in ClinVar's aggregate classification.

Literature cited by the submitters: PubMed 20104584 (cited by Labcorp Genetics (formerly Invitae), Labcorp); PubMed 22006311 (cited by 4 submitters); PubMed 24240112 (cited by Women's Health and Genetics/Laboratory Corporation of America, LabCorp).